The following is an entry in ClinVar:

ClinVar aggregate classification (germline): Uncertain significance. Review status: criteria provided, multiple submitters, no conflicts (2 of 4 stars). 4 submissions from 4 submitters: Uncertain significance (4). Last evaluated 2026-06-23.

Conditions:
FGFR3-related disorder. Also called: FGFR3-related disorders.
Inborn genetic diseases. Identifiers: MedGen C0950123, MeSH D030342.
Hypochondroplasia (HCH). Identifiers: Orphanet 429, MedGen C0410529, MONDO:0007793, OMIM 146000. Disease mechanism: gain of function.

Allele frequency attached by ClinVar (database versions not stated): TOPMed 0.00004.

Submissions (4):

Genomenon, Inc
Classification: Uncertain significance for Hypochondroplasia. Last evaluated: 2026-06-23. Review status: criteria provided, single submitter. Criteria: Genomenon Sequence Variant Interpretation Standards - Updated. Collection method: curation. Allele origin: germline. Affected: yes.
Comment: FGFR3 p.Glu360Lys (c.1078G>A) is a missense variant that changes the amino acid at codon 360 from Glutamic acid to Lysine. This variant has been observed in at least one proband with hypochondroplasia (PMID:19215249). The variant was found to segregate with disease in at least one affected family (PMID:19215249). It is absent or not present at a significant frequency in gnomAD. In conclusion, we classify FGFR3 p.Glu360Lys (c.1078G>A) as a variant of uncertain significance.

PreventionGenetics, part of Exact Sciences
Classification: Uncertain significance for FGFR3-related condition. Last evaluated: 2026-05-06. Review status: criteria provided, single submitter. Criteria: ACMG Guidelines, 2015. Collection method: clinical testing. Allele origin: germline.
Comment: The FGFR3 c.1078G>A variant is predicted to result in the amino acid substitution p.Glu360Lys. This variant was reported in two siblings and their mother, all affected by mild form of hypochondroplasia (case 2, Almeida et al. 2009. PubMed ID: 19215249). This variant is reported in 0.015% of alleles in individuals of Latino descent in gnomAD. At this time, the clinical significance of this variant is uncertain due to the absence of conclusive functional and genetic evidence.

Labcorp Genetics (formerly Invitae), Labcorp
Classification: Uncertain significance. Last evaluated: 2025-07-25. Review status: criteria provided, single submitter. Criteria: Invitae Variant Classification Sherloc (09022015). Collection method: clinical testing. Allele origin: germline.
Comment: This sequence change replaces glutamic acid, which is acidic and polar, with lysine, which is basic and polar, at codon 360 of the FGFR3 protein (p.Glu360Lys). This variant is present in population databases (rs757013992, gnomAD 0.02%). This missense change has been observed in individual(s) with achondroplasia (PMID: 19215249). It has also been observed to segregate with disease in related individuals. ClinVar contains an entry for this variant (Variation ID: 208701). An algorithm developed to predict the effect of missense changes on protein structure and function (PolyPhen-2) suggests that this variant is likely to be tolerated. In summary, the available evidence is currently insufficient to determine the role of this variant in disease. Therefore, it has been classified as a Variant of Uncertain Significance.

Ambry Genetics
Classification: Uncertain significance for Inborn genetic diseases. Last evaluated: 2013-04-23. Review status: criteria provided, single submitter. Criteria: Ambry Autosomal Dominant and X-Linked criteria (10/2015). Collection method: clinical testing. Allele origin: germline. Observed: 1 variant allele.
Comment: There is insufficient or conflicting evidence for classification of this alteration.

Literature cited by the submitters: PubMed 19215249 (cited by Genomenon, Inc and Labcorp Genetics (formerly Invitae), Labcorp); PubMed 18328977 (cited by Genomenon, Inc); PubMed 25323764 (cited by Genomenon, Inc); PubMed 30681580 (cited by Genomenon, Inc).

NM_000142.5(FGFR3):c.1078G>A (p.Glu360Lys)

Gene: FGFR3 (fibroblast growth factor receptor 3; plus strand). Cytogenetic location: 4p16.3.
Variant type: single nucleotide variant.
Coding change: c.1078G>A on transcript NM_000142.5 (MANE Select); coding-DNA position 1078, G replaced by A.
Protein change: p.Glu360Lys; replaces glutamic acid 360 with lysine.
Molecular consequence: missense variant. On other transcripts: non-coding transcript variant (1), intron variant (1).
Genome position (GRCh38, 1-based): chr4:1,804,332, G>A. VCF-style: chr4-1804332-G-A. GRCh37 (hg19) VCF-style: chr4-1806059-G-A.
Other names: c.1084G>A, p.Glu362Lys (NM_001163213.2); c.1078G>A, p.Glu360Lys (NM_001354809.2, NM_001354810.2); c.931-492G>A (NM_022965.4); short protein forms E360K, E362K.
Identifiers: ClinVar variation 208701 (VCV000208701.10), dbSNP rs757013992, ClinGen allele CA204712.